The following is an entry in ClinVar:

NM_017882.3(CLN6):c.40G>A (p.Gly14Ser)

Gene: CLN6 (CLN6 transmembrane ER protein; minus strand). Cytogenetic location: 15q23.
Variant type: single nucleotide variant.
Coding change: c.40G>A on transcript NM_017882.3 (MANE Select); coding-DNA position 40, G replaced by A.
Protein change: p.Gly14Ser; replaces glycine 14 with serine.
Molecular consequence: missense variant.
Genome position (GRCh38, 1-based): chr15:68,229,545, C>T on the plus strand (G>A on the coding strand, the complement: CLN6 is on the minus strand). VCF-style: chr15-68229545-C-T. GRCh37 (hg19) VCF-style: chr15-68521883-C-T.
Other names: short protein forms G14S.
Identifiers: ClinVar variation 950264 (VCV000950264.7), dbSNP rs2093262651, ClinGen allele CA392978213.
Genomic context (GRCh38, chr15:68,229,545, plus strand): 5'-CCCCGGCGCGCGCCCACCTGGCCTGCAGGAAGGAGGCGCCCAGCTGCGCGCCTGGGCCGC[C>T]CGTCGCTCCCAGGTGCTGCCGCCTCCGCGTCGCCTCCATGGCTGCCCCGCAGGCCCCTCG-3'
Protein context (NP_060352.1, residues 4-24): TRRRQHLGAT[Gly14Ser]GPGAQLGASF

ClinVar aggregate classification (germline): Uncertain significance (1 of 4 stars; one submission).

Conditions:
Neuronal ceroid lipofuscinosis. Also called: Neuronal Ceroid Lipofuscinoses. Identifiers: Orphanet 216, Orphanet 79263, MedGen C0027877, MONDO:0016295. Disease mechanism: loss of function.

Allele frequency attached by ClinVar (database versions not stated): gnomAD exomes below 0.00001.
gnomAD v4.1: 1 of 1,468,670 alleles (0.000068%); highest among the groups gnomAD compares: Non-Finnish European, 0.00009%; no homozygotes.

Submission:

Labcorp Genetics (formerly Invitae), Labcorp
Classification: Uncertain significance for Neuronal ceroid lipofuscinosis. Last evaluated: 2022-07-12. Review status: criteria provided, single submitter. Criteria: Invitae Variant Classification Sherloc (09022015). Collection method: clinical testing. Allele origin: germline.
Comment: This sequence change replaces glycine, which is neutral and non-polar, with serine, which is neutral and polar, at codon 14 of the CLN6 protein (p.Gly14Ser). This variant is not present in population databases (gnomAD no frequency). This variant has not been reported in the literature in individuals affected with CLN6-related conditions. ClinVar contains an entry for this variant (Variation ID: 950264). Algorithms developed to predict the effect of missense changes on protein structure and function output the following: SIFT: "Tolerated"; PolyPhen-2: "Benign"; Align-GVGD: "Class C0". The serine amino acid residue is found in multiple mammalian species, which suggests that this missense change does not adversely affect protein function. In summary, the available evidence is currently insufficient to determine the role of this variant in disease. Therefore, it has been classified as a Variant of Uncertain Significance.